The following is an entry in ClinVar:

NM_001009999.3(KDM1A):c.784T>C (p.Tyr262His)

Gene: KDM1A (lysine demethylase 1A; plus strand). Cytogenetic location: 1p36.12.
Variant type: single nucleotide variant.
Coding change: c.784T>C on transcript NM_001009999.3 (MANE Select); coding-DNA position 784, T replaced by C.
Protein change: p.Tyr262His; replaces tyrosine 262 with histidine.
Molecular consequence: missense variant.
Genome position (GRCh38, 1-based): chr1:23,053,833, T>C. VCF-style: chr1-23053833-T-C. GRCh37 (hg19) VCF-style: chr1-23380326-T-C.
Other names: c.724T>C, p.Tyr242His (NM_001363654.2, NM_001410763.1, NM_015013.4); c.784T>C, p.Tyr262His (NM_001410762.1); short protein forms Y242H, Y262H.
Identifiers: ClinVar variation 5023083 (VCV005023083.1).
Genomic context (GRCh38, chr1:23,053,833, plus strand): 5'-TTGGATAATCCAAAGATTCAGCTGACATTTGAGGCTACTCTCCAACAATTAGAAGCACCT[T>C]ATAACAGTAAGTAGTGTGTTCAATAGGACTAATTTGTACTGGATTGTGAAAATTGATACG-3'
Protein context (NP_001009999.1, residues 252-272): EATLQQLEAP[Tyr262His]NSDTVLVHRV

ClinVar aggregate classification (germline): Uncertain significance (1 of 4 stars; one submission).

Conditions:
Inborn genetic diseases. Identifiers: MedGen C0950123, MeSH D030342.

Submission:

Ambry Genetics
Classification: Uncertain significance for Inborn genetic diseases. Last evaluated: 2026-08-02. Review status: criteria provided, single submitter. Criteria: Ambry Variant Classification Scheme 2023. Collection method: clinical testing. Allele origin: germline.
Comment: The p.Y262H variant (also known as c.784T>C), located in coding exon 5 of the KDM1A gene, results from a T to C substitution at nucleotide position 784. The tyrosine at codon 262 is replaced by histidine, an amino acid with similar properties. This amino acid position is conserved. In addition, this alteration is predicted to be tolerated by in silico analysis. Based on the available evidence, the clinical significance of this variant remains unclear.